The following is an entry in ClinVar:

NM_032447.5(FBN3):c.6038G>A (p.Arg2013Gln)

Gene: FBN3 (fibrillin 3; minus strand). Cytogenetic location: 19p13.2.
Variant type: single nucleotide variant.
Coding change: c.6038G>A on transcript NM_032447.5 (MANE Select); coding-DNA position 6038, G replaced by A.
Protein change: p.Arg2013Gln; replaces arginine 2013 with glutamine.
Molecular consequence: missense variant.
Genome position (GRCh38, 1-based): chr19:8,090,245, C>T on the plus strand (G>A on the coding strand, the complement: FBN3 is on the minus strand). VCF-style: chr19-8090245-C-T. GRCh37 (hg19) VCF-style: chr19-8155129-C-T.
Other names: c.6038G>A (NM_032447.3); c.6038G>A, p.Arg2013Gln (NM_001321431.2); short protein forms R2013Q.
Identifiers: ClinVar variation 3701372 (VCV003701372.3).

ClinVar aggregate classification (germline): Uncertain significance. Review status: criteria provided, multiple submitters, no conflicts (2 of 4 stars). 2 submissions from 2 submitters: Uncertain significance (2). Last evaluated 2025-11-02.

gnomAD v4.1: 15 of 1,613,722 alleles (0.00093%); highest among the groups gnomAD compares: Non-Finnish European, 0.0013%; no homozygotes.

Submissions (2):

Ambry Genetics
Classification: Uncertain significance. Last evaluated: 2025-11-02. Review status: criteria provided, single submitter. Criteria: Ambry Variant Classification Scheme 2023. Collection method: clinical testing. Allele origin: germline.

Labcorp Genetics (formerly Invitae), Labcorp
Classification: Uncertain significance. Last evaluated: 2024-06-08. Review status: criteria provided, single submitter. Criteria: Invitae Variant Classification Sherloc (09022015). Collection method: clinical testing. Allele origin: germline.
Comment: This sequence change replaces arginine, which is basic and polar, with glutamine, which is neutral and polar, at codon 2013 of the FBN3 protein (p.Arg2013Gln). This variant is present in population databases (rs767684446, gnomAD 0.006%). This variant has not been reported in the literature in individuals affected with FBN3-related conditions. Advanced modeling of protein sequence and biophysical properties (such as structural, functional, and spatial information, amino acid conservation, physicochemical variation, residue mobility, and thermodynamic stability) performed at Invitae indicates that this missense variant is expected to disrupt FBN3 protein function with a positive predictive value of 80%. In summary, the available evidence is currently insufficient to determine the role of this variant in disease. Therefore, it has been classified as a Variant of Uncertain Significance.